The following is an entry in ClinVar:

NM_000553.6(WRN):c.2233A>T (p.Asn745Tyr)

Gene: WRN (WRN RecQ like helicase; plus strand). Cytogenetic location: 8p12.
Variant type: single nucleotide variant.
Coding change: c.2233A>T on transcript NM_000553.6 (MANE Select); coding-DNA position 2233, A replaced by T.
Protein change: p.Asn745Tyr; replaces asparagine 745 with tyrosine.
Molecular consequence: missense variant.
Genome position (GRCh38, 1-based): chr8:31,111,759, A>T. VCF-style: chr8-31111759-A-T. GRCh37 (hg19) VCF-style: chr8-30969275-A-T.
Other names: short protein forms N745Y.
Identifiers: ClinVar variation 1375288 (VCV001375288.6), dbSNP rs763947488, ClinGen allele CA370912855.

ClinVar aggregate classification (germline): Uncertain significance (1 of 4 stars; one submission).

Conditions:
Werner syndrome (WRN). Identifiers: Orphanet 902, MedGen C0043119, MONDO:0010196, OMIM 277700.

Submission:

Labcorp Genetics (formerly Invitae), Labcorp
Classification: Uncertain significance for Werner syndrome. Last evaluated: 2021-08-24. Review status: criteria provided, single submitter. Criteria: Invitae Variant Classification Sherloc (09022015). Collection method: clinical testing. Allele origin: germline.
Comment: In summary, the available evidence is currently insufficient to determine the role of this variant in disease. Therefore, it has been classified as a Variant of Uncertain Significance. Algorithms developed to predict the effect of sequence changes on RNA splicing suggest that this variant may create or strengthen a splice site. Algorithms developed to predict the effect of missense changes on protein structure and function are either unavailable or do not agree on the potential impact of this missense change (SIFT: "Not Available"; PolyPhen-2: "Probably Damaging"; Align-GVGD: "Not Available"). This variant has not been reported in the literature in individuals affected with WRN-related conditions. This variant is not present in population databases (ExAC no frequency). This sequence change replaces asparagine with tyrosine at codon 745 of the WRN protein (p.Asn745Tyr). The asparagine residue is moderately conserved and there is a large physicochemical difference between asparagine and tyrosine.